The following is an entry in ClinVar:

NM_000629.3(IFNAR1):c.919G>A (p.Val307Ile)

Gene: IFNAR1 (interferon alpha and beta receptor subunit 1; plus strand). Cytogenetic location: 21q22.11.
Variant type: single nucleotide variant.
Coding change: c.919G>A on transcript NM_000629.3 (MANE Select); coding-DNA position 919, G replaced by A.
Protein change: p.Val307Ile; replaces valine 307 with isoleucine.
Molecular consequence: missense variant.
Genome position (GRCh38, 1-based): chr21:33,349,221, G>A. VCF-style: chr21-33349221-G-A. GRCh37 (hg19) VCF-style: chr21-34721527-G-A.
Other names: c.919G>A, p.Val307Ile (NM_001384498.1, NM_001384499.1, NM_001384503.1); c.157G>A, p.Val53Ile (NM_001384500.1); c.904G>A, p.Val302Ile (NM_001384501.1); c.457G>A, p.Val153Ile (NM_001384502.1); c.712G>A, p.Val238Ile (NM_001384504.1); c.919G>A (NM_000629.2); short protein forms V153I, V238I, V302I, V307I, V53I.
Identifiers: ClinVar variation 1024507 (VCV001024507.6), dbSNP rs17875833, ClinGen allele CA10006616.
Genomic context (GRCh38, chr21:33,349,221, plus strand): 5'-AAAACTACCCAGTGTGTCTTTCCTCAAAACGTTTTCCAAAAAGGAATTTACCTTCTCCGC[G>A]TACAAGCATCTGATGGAAATAACACATCTTTTTGGTCTGAAGAGATAAAGTTTGATACTG-3'
Protein context (NP_000620.2, residues 297-317): VFQKGIYLLR[Val307Ile]QASDGNNTSF

ClinVar aggregate classification (germline): Uncertain significance. Review status: criteria provided, single submitter (1 of 4 stars). 2 submissions from 2 submitters: Uncertain significance (1). 1 of the submissions does not count toward it. Last evaluated 2022-10-24.

Conditions:
IFNAR1-related disorder. Also called: IFNAR1-related condition.

Allele frequency attached by ClinVar (database versions not stated): 1000 Genomes Project 0.00040; TOPMed 0.00062; ESP Exome Variant Server 0.00077; 1000 Genomes Project 30x 0.00031.
gnomAD v4.1: 470 of 1,613,426 alleles (0.029%); highest among the groups gnomAD compares: African/African-American, 0.21%; no homozygotes.

Submissions (2):

Labcorp Genetics (formerly Invitae), Labcorp
Classification: Uncertain significance. Last evaluated: 2022-10-24. Review status: criteria provided, single submitter. Criteria: Invitae Variant Classification Sherloc (09022015). Collection method: clinical testing. Allele origin: germline.
Comment: This sequence change replaces valine, which is neutral and non-polar, with isoleucine, which is neutral and non-polar, at codon 307 of the IFNAR1 protein (p.Val307Ile). This variant is present in population databases (rs17875833, gnomAD 0.2%). This variant has not been reported in the literature in individuals affected with IFNAR1-related conditions. ClinVar contains an entry for this variant (Variation ID: 1024507). Algorithms developed to predict the effect of missense changes on protein structure and function output the following: SIFT: "Tolerated"; PolyPhen-2: "Benign"; Align-GVGD: "Class C0". The isoleucine amino acid residue is found in multiple mammalian species, which suggests that this missense change does not adversely affect protein function. In summary, the available evidence is currently insufficient to determine the role of this variant in disease. Therefore, it has been classified as a Variant of Uncertain Significance.

PreventionGenetics, part of Exact Sciences
Classification: Likely benign for IFNAR1-related condition. Last evaluated: 2022-12-07. Review status: no assertion criteria provided. Collection method: clinical testing. Allele origin: germline. Not counted in ClinVar's aggregate classification.
Comment: This variant is classified as likely benign based on ACMG/AMP sequence variant interpretation guidelines (Richards et al. 2015 PMID: 25741868, with internal and published modifications).